The following is an entry in ClinVar:

NM_177438.3(DICER1):c.4958C>A (p.Pro1653Gln)

Gene: DICER1 (dicer 1, ribonuclease III; minus strand). Cytogenetic location: 14q32.13.
Variant type: single nucleotide variant.
Coding change: c.4958C>A on transcript NM_177438.3 (MANE Select); coding-DNA position 4958, C replaced by A.
Protein change: p.Pro1653Gln; replaces proline 1653 with glutamine.
Molecular consequence: missense variant.
Genome position (GRCh38, 1-based): chr14:95,095,962, G>T on the plus strand (C>A on the coding strand, the complement: DICER1 is on the minus strand). VCF-style: chr14-95095962-G-T. GRCh37 (hg19) VCF-style: chr14-95562299-G-T.
Other names: c.4958C>A, p.Pro1653Gln (NM_001195573.1, NM_001271282.3, NM_001291628.2 and 1 more transcripts); short protein forms P1653Q.
Identifiers: ClinVar variation 1027075 (VCV001027075.13), dbSNP rs773113605, ClinGen allele CA7330766.

ClinVar aggregate classification (germline): Uncertain significance. Review status: criteria provided, multiple submitters, no conflicts (2 of 4 stars). 2 submissions from 2 submitters: Uncertain significance (2). Last evaluated 2024-04-12.

Conditions:
DICER1-related tumor predisposition. Also called: DICER1 syndrome; DICER1-related pleuropulmonary blastoma cancer predisposition syndrome. Identifiers: Orphanet 284343, MedGen C3839822, MONDO:0100216.
Hereditary cancer-predisposing syndrome. Also called: Hereditary neoplastic syndrome; Neoplastic Syndromes, Hereditary; Tumor predisposition; Hereditary Cancer Syndrome. Identifiers: Orphanet 140162, MedGen C0027672, MeSH D009386, MONDO:0015356.

Allele frequency attached by ClinVar (database versions not stated): gnomAD exomes below 0.00001; ExAC 0.00001.

Submissions (2):

Ambry Genetics
Classification: Uncertain significance for Hereditary cancer-predisposing syndrome. Last evaluated: 2024-04-12. Review status: criteria provided, single submitter. Criteria: Ambry Variant Classification Scheme 2023. Collection method: clinical testing. Allele origin: germline.
Comment: The p.P1653Q variant (also known as c.4958C>A), located in coding exon 22 of the DICER1 gene, results from a C to A substitution at nucleotide position 4958. The proline at codon 1653 is replaced by glutamine, an amino acid with similar properties. This amino acid position is highly conserved in available vertebrate species. In addition, this alteration is predicted to be deleterious by in silico analysis. Since supporting evidence is limited at this time, the clinical significance of this alteration remains unclear.

Labcorp Genetics (formerly Invitae), Labcorp
Classification: Uncertain significance for DICER1-related tumor predisposition. Last evaluated: 2024-02-04. Review status: criteria provided, single submitter. Criteria: Invitae Variant Classification Sherloc (09022015). Collection method: clinical testing. Allele origin: germline.
Comment: This sequence change replaces proline, which is neutral and non-polar, with glutamine, which is neutral and polar, at codon 1653 of the DICER1 protein (p.Pro1653Gln). This variant is present in population databases (rs773113605, gnomAD 0.006%). This variant has not been reported in the literature in individuals affected with DICER1-related conditions. ClinVar contains an entry for this variant (Variation ID: 1027075). An algorithm developed to predict the effect of missense changes on protein structure and function (PolyPhen-2) suggests that this variant is likely to be disruptive. In summary, the available evidence is currently insufficient to determine the role of this variant in disease. Therefore, it has been classified as a Variant of Uncertain Significance.